The following is an entry in ClinVar:

ClinVar aggregate classification (germline): Uncertain significance (1 of 4 stars; one submission).

Conditions:
Autosomal recessive limb-girdle muscular dystrophy type 2L (LGMDR12). Also called: Limb-Girdle Muscular Dystrophy R12 Anoctamin-5-Related (LGMD-R12); MUSCULAR DYSTROPHY, LIMB-GIRDLE, AUTOSOMAL RECESSIVE 12; Limb-girdle muscular dystrophy, type 2L. Identifiers: Orphanet 206549, MedGen C1969785, MONDO:0012652, OMIM 611307.
Gnathodiaphyseal dysplasia (GDD). Also called: GNATHODIAPHYSEAL SCLEROSIS; OSTEOGENESIS IMPERFECTA WITH UNUSUAL SKELETAL LESIONS. Identifiers: Orphanet 53697, MedGen C1833736, MONDO:0008151, OMIM 166260.

Submission:

Labcorp Genetics (formerly Invitae), Labcorp
Classification: Uncertain significance for Autosomal recessive limb-girdle muscular dystrophy type 2L; Gnathodiaphyseal dysplasia. Last evaluated: 2023-10-10. Review status: criteria provided, single submitter. Criteria: Invitae Variant Classification Sherloc (09022015). Collection method: clinical testing. Allele origin: germline.
Comment: This sequence change replaces leucine, which is neutral and non-polar, with phenylalanine, which is neutral and non-polar, at codon 113 of the ANO5 protein (p.Leu113Phe). This variant is not present in population databases (gnomAD no frequency). This variant has not been reported in the literature in individuals affected with ANO5-related conditions. Advanced modeling of protein sequence and biophysical properties (such as structural, functional, and spatial information, amino acid conservation, physicochemical variation, residue mobility, and thermodynamic stability) has been performed at Invitae for this missense variant, however the output from this modeling did not meet the statistical confidence thresholds required to predict the impact of this variant on ANO5 protein function. In summary, the available evidence is currently insufficient to determine the role of this variant in disease. Therefore, it has been classified as a Variant of Uncertain Significance.

NM_213599.3(ANO5):c.337C>T (p.Leu113Phe)

Gene: ANO5 (anoctamin 5; plus strand). Cytogenetic location: 11p14.3.
Variant type: single nucleotide variant.
Coding change: c.337C>T on transcript NM_213599.3 (MANE Select); coding-DNA position 337, C replaced by T.
Protein change: p.Leu113Phe; replaces leucine 113 with phenylalanine.
Molecular consequence: missense variant.
Genome position (GRCh38, 1-based): chr11:22,226,026, C>T. VCF-style: chr11-22226026-C-T. GRCh37 (hg19) VCF-style: chr11-22247572-C-T.
Other names: c.334C>T, p.Leu112Phe (NM_001142649.2); c.295C>T, p.Leu99Phe (NM_001410963.1); c.292C>T, p.Leu98Phe (NM_001410964.1); short protein forms L98F, L99F, L112F, L113F.
Identifiers: ClinVar variation 2929164 (VCV002929164.3), dbSNP rs2494141798, ClinGen allele CA379919131.